The following is an entry in ClinVar:

NM_004525.3(LRP2):c.12148G>T (p.Glu4050Ter)

Gene: LRP2 (LDL receptor related protein 2; minus strand). Cytogenetic location: 2q31.1.
Variant type: single nucleotide variant.
Coding change: c.12148G>T on transcript NM_004525.3 (MANE Select); coding-DNA position 12148, G replaced by T.
Protein change: p.Glu4050Ter; replaces glutamic acid 4050 with a stop codon.
Molecular consequence: nonsense.
Genome position (GRCh38, 1-based): chr2:169,156,277, C>A on the plus strand (G>T on the coding strand, the complement: LRP2 is on the minus strand). VCF-style: chr2-169156277-C-A. GRCh37 (hg19) VCF-style: chr2-170012787-C-A.
Other names: short protein forms E4050*.
Identifiers: ClinVar variation 5012718 (VCV005012718.1).

ClinVar aggregate classification (germline): Pathogenic (1 of 4 stars; one submission).

Conditions:
Donnai-Barrow syndrome. Also called: DBS/FOAR SYNDROME; FACIOOCULOACOUSTICORENAL SYNDROME. Identifiers: Orphanet 2143, MedGen C1857277, MONDO:0009104, OMIM 222448.

Submission:

Myriad Genetics, Inc.
Classification: Pathogenic for Donnai-Barrow syndrome. Last evaluated: 2024-02-09. Review status: criteria provided, single submitter. Criteria: Myriad Autosomal Dominant, Autosomal Recessive and X-Linked Classification Criteria (2023). Collection method: clinical testing. Allele origin: unknown.
Comment: NM_004525.2(LRP2):c.12148G>T(E4050*) is expected to be pathogenic in the context of Donnai-Barrow syndrome. This variant is predicted to lead to an abnormal or absent protein product due to the creation of a premature termination codon in LRP2, a gene where loss-of-function variants are known to be pathogenic. Please note: this variant was assessed in the context of healthy population screening.